The following is an entry in ClinVar:

ClinVar aggregate classification (germline): Uncertain significance. Review status: criteria provided, multiple submitters, no conflicts (2 of 4 stars). 2 submissions from 2 submitters: Uncertain significance (2). Last evaluated 2022-03-23.

Conditions:
Amish lethal microcephaly (MCPHA). Also called: THIAMINE METABOLISM DYSFUNCTION SYNDROME 3 (MICROCEPHALY TYPE); MICROCEPHALY, AMISH TYPE. Identifiers: Orphanet 99742, MedGen C1846648, MONDO:0011790, OMIM 607196.

Allele frequency attached by ClinVar (database versions not stated): gnomAD 0.00001; gnomAD exomes 0.00001; TOPMed 0.00001; ExAC 0.00002.
gnomAD v4.1: 17 of 1,613,966 alleles (0.0011%); highest among the groups gnomAD compares: Middle Eastern, 0.033%; no homozygotes.

Submissions (2):

Labcorp Genetics (formerly Invitae), Labcorp
Classification: Uncertain significance. Last evaluated: 2022-03-23. Review status: criteria provided, single submitter. Criteria: Invitae Variant Classification Sherloc (09022015). Collection method: clinical testing. Allele origin: germline.
Comment: In summary, the available evidence is currently insufficient to determine the role of this variant in disease. Therefore, it has been classified as a Variant of Uncertain Significance. This sequence change replaces arginine, which is basic and polar, with histidine, which is basic and polar, at codon 159 of the SLC25A19 protein (p.Arg159His). This variant is present in population databases (rs778166940, gnomAD 0.003%). This variant has not been reported in the literature in individuals affected with SLC25A19-related conditions. ClinVar contains an entry for this variant (Variation ID: 890720). Algorithms developed to predict the effect of missense changes on protein structure and function (SIFT, PolyPhen-2, Align-GVGD) all suggest that this variant is likely to be tolerated.

Illumina Laboratory Services, Illumina
Classification: Uncertain significance for Amish lethal microcephaly. Last evaluated: 2017-04-27. Review status: criteria provided, single submitter. Criteria: ICSL Variant Classification Criteria 13 December 2019. Collection method: clinical testing. Allele origin: germline.

NM_001126121.2(SLC25A19):c.476G>A (p.Arg159His)

Gene: SLC25A19 (solute carrier family 25 member 19; minus strand). Cytogenetic location: 17q25.1.
Variant type: single nucleotide variant.
Coding change: c.476G>A on transcript NM_001126121.2 (MANE Select); coding-DNA position 476, G replaced by A.
Protein change: p.Arg159His; replaces arginine 159 with histidine.
Molecular consequence: missense variant.
Genome position (GRCh38, 1-based): chr17:75,278,319, C>T on the plus strand (G>A on the coding strand, the complement: SLC25A19 is on the minus strand). VCF-style: chr17-75278319-C-T. GRCh37 (hg19) VCF-style: chr17-73274400-C-T.
Other names: c.476G>A, p.Arg159His (NM_001126122.2, NM_021734.5); short protein forms R159H.
Identifiers: ClinVar variation 890720 (VCV000890720.12), dbSNP rs778166940, ClinGen allele CA8760979.